The following is an entry in ClinVar:

ClinVar aggregate classification (germline): Uncertain significance (1 of 4 stars; one submission).

Submission:

Ambry Genetics
Classification: Uncertain significance. Last evaluated: 2022-05-28. Review status: criteria provided, single submitter. Criteria: Ambry Variant Classification Scheme 2023. Collection method: clinical testing. Allele origin: germline.
Comment: The p.I996M variant (also known as c.2988A>G), located in coding exon 16 of the POLQ gene, results from an A to G substitution at nucleotide position 2988. The isoleucine at codon 996 is replaced by methionine, an amino acid with highly similar properties. This amino acid position is conserved. In addition, this alteration is predicted to be tolerated by in silico analysis. Since supporting evidence is limited at this time, the clinical significance of this alteration remains unclear.

NM_199420.4(POLQ):c.2988A>G (p.Ile996Met)

Gene: POLQ (DNA polymerase theta; minus strand). Cytogenetic location: 3q13.33.
Variant type: single nucleotide variant.
Coding change: c.2988A>G on transcript NM_199420.4 (MANE Select); coding-DNA position 2988, A replaced by G.
Protein change: p.Ile996Met; replaces isoleucine 996 with methionine.
Molecular consequence: missense variant.
Genome position (GRCh38, 1-based): chr3:121,489,943, T>C on the plus strand (A>G on the coding strand, the complement: POLQ is on the minus strand). VCF-style: chr3-121489943-T-C. GRCh37 (hg19) VCF-style: chr3-121208790-T-C.
Other names: short protein forms I996M.
Identifiers: ClinVar variation 1798463 (VCV001798463.2), dbSNP rs1259298740, ClinGen allele CA354103613.